The following is an entry in ClinVar:

ClinVar aggregate classification (germline): Uncertain significance (1 of 4 stars; one submission).

Allele frequency attached by ClinVar (database versions not stated): TOPMed below 0.00001; ExAC 0.00001.
gnomAD v4.1: 55 of 1,612,640 alleles (0.0034%); highest among the groups gnomAD compares: Non-Finnish European, 0.0046%; no homozygotes.

Submission:

Labcorp Genetics (formerly Invitae), Labcorp
Classification: Uncertain significance. Last evaluated: 2021-08-31. Review status: criteria provided, single submitter. Criteria: Invitae Variant Classification Sherloc (09022015). Collection method: clinical testing. Allele origin: germline.
Comment: This sequence change replaces aspartic acid with tyrosine at codon 570 of the COL27A1 protein (p.Asp570Tyr). The aspartic acid residue is highly conserved and there is a large physicochemical difference between aspartic acid and tyrosine. This variant is present in population databases (rs539738813, ExAC 0.002%). This variant has not been reported in the literature in individuals affected with COL27A1-related conditions. Algorithms developed to predict the effect of missense changes on protein structure and function are either unavailable or do not agree on the potential impact of this missense change (SIFT: "Deleterious"; PolyPhen-2: "Not Available"; Align-GVGD: "Class C65"). In summary, the available evidence is currently insufficient to determine the role of this variant in disease. Therefore, it has been classified as a Variant of Uncertain Significance.

NM_032888.4(COL27A1):c.1708G>T (p.Asp570Tyr)

Gene: COL27A1 (collagen type XXVII alpha 1 chain; plus strand). Cytogenetic location: 9q32.
Variant type: single nucleotide variant.
Coding change: c.1708G>T on transcript NM_032888.4 (MANE Select); coding-DNA position 1708, G replaced by T.
Protein change: p.Asp570Tyr; replaces aspartic acid 570 with tyrosine.
Molecular consequence: missense variant.
Genome position (GRCh38, 1-based): chr9:114,169,263, G>T. VCF-style: chr9-114169263-G-T. GRCh37 (hg19) VCF-style: chr9-116931543-G-T.
Other names: short protein forms D570Y.
Identifiers: ClinVar variation 2147923 (VCV002147923.1), dbSNP rs539738813, ClinGen allele CA5201454.